The following is an entry in ClinVar:

NM_002204.4(ITGA3):c.2707-8C>T

Gene: ITGA3 (integrin subunit alpha 3; plus strand). Cytogenetic location: 17q21.33.
Variant type: single nucleotide variant.
Coding change: c.2707-8C>T on transcript NM_002204.4 (MANE Select); 8 bases into the intron before coding-DNA position 2707, C replaced by T.
Molecular consequence: intron variant.
Genome position (GRCh38, 1-based): chr17:50,080,254, C>T. VCF-style: chr17-50080254-C-T. GRCh37 (hg19) VCF-style: chr17-48157618-C-T.
Identifiers: ClinVar variation 786319 (VCV000786319.12), dbSNP rs377664197, ClinGen allele CA8642022.
Genomic context (GRCh38, chr17:50,080,254, plus strand): 5'-AAGGAGCAAGGCATGAAGAATCTGGAGACTCAGACTATGTCACGTCTTGCGTTCCCTGCC[C>T]GCCTCAGACCTGTGCCACAGGGCGTGCCCACTGTGTGTGGCTAGAGTGCCCCATCCCTGA-3'

ClinVar aggregate classification (germline): Likely benign. Review status: criteria provided, multiple submitters, no conflicts (2 of 4 stars). 3 submissions from 3 submitters: Likely benign (2). 1 of the submissions does not count toward it. Last evaluated 2025-10-27.

Conditions:
ITGA3-related disorder. Also called: ITGA3-related condition.
Epidermolysis bullosa, junctional 7, with interstitial lung disease and nephrotic syndrome. Also called: Interstitial lung disease, nephrotic syndrome, and epidermolysis bullosa, congenital; Interstitial Lung Disease with Nephrotic Syndrome and Epidermolysis Bullosa. Identifiers: Orphanet 306504, MedGen C4518785, MONDO:0013881, OMIM 614748.

Allele frequency attached by ClinVar (database versions not stated): TOPMed 0.00065; 1000 Genomes Project 0.00020; ESP Exome Variant Server 0.00046; 1000 Genomes Project 30x 0.00047; gnomAD 0.00052 and 0.00056.
gnomAD v4.1: 170 of 1,557,908 alleles (0.011%); highest among the groups gnomAD compares: African/African-American, 0.18%; no homozygotes.

Submissions (3):

Labcorp Genetics (formerly Invitae), Labcorp
Classification: Likely benign. Last evaluated: 2025-10-27. Review status: criteria provided, single submitter. Criteria: Invitae Variant Classification Sherloc (09022015). Collection method: clinical testing. Allele origin: germline.

Fulgent Genetics
Classification: Likely benign for Epidermolysis bullosa, junctional 7, with interstitial lung disease and nephrotic syndrome. Last evaluated: 2021-08-19. Review status: criteria provided, single submitter. Criteria: ACMG Guidelines, 2015. Collection method: clinical testing. Allele origin: unknown.

PreventionGenetics, part of Exact Sciences
Classification: Likely benign for ITGA3-related condition. Last evaluated: 2019-08-29. Review status: no assertion criteria provided. Collection method: clinical testing. Allele origin: germline. Not counted in ClinVar's aggregate classification.
Comment: This variant is classified as likely benign based on ACMG/AMP sequence variant interpretation guidelines (Richards et al. 2015 PMID: 25741868, with internal and published modifications).